The following is an entry in ClinVar:

NM_007294.4(BRCA1):c.5202T>A (p.Phe1734Leu)

Gene: BRCA1 (BRCA1 DNA repair associated; minus strand). Cytogenetic location: 17q21.31.
Variant type: single nucleotide variant.
Coding change: c.5202T>A on transcript NM_007294.4 (MANE Select); coding-DNA position 5202, T replaced by A.
Protein change: p.Phe1734Leu; replaces phenylalanine 1734 with leucine.
Molecular consequence: missense variant. On other transcripts: non-coding transcript variant (1).
Genome position (GRCh38, 1-based): chr17:43,057,127, A>T on the plus strand (T>A on the coding strand, the complement: BRCA1 is on the minus strand). VCF-style: chr17-43057127-A-T. GRCh37 (hg19) VCF-style: chr17-41209144-A-T.
Other names: c.4989T>A, p.Phe1663Leu (NM_001407571.1, NM_001407900.1, NM_001407902.1 and 12 more transcripts); c.5268T>A, p.Phe1756Leu (NM_001407581.1, NM_001407582.1); c.5265T>A, p.Phe1755Leu (NM_001407583.1, NM_001407585.1, NM_001407587.1 and 1 more transcripts); c.5199T>A, p.Phe1733Leu (NM_001407610.1, NM_001407611.1, NM_001407612.1 and 17 more transcripts); c.5196T>A, p.Phe1732Leu (NM_001407629.1, NM_001407630.1, NM_001407631.1 and 14 more transcripts); c.5142T>A, p.Phe1714Leu (NM_001407649.1); c.5124T>A, p.Phe1708Leu (NM_001407652.1, NM_001407653.1, NM_001407654.1 and 1 more transcripts); c.5121T>A, p.Phe1707Leu (NM_001407656.1, NM_001407657.1, NM_001407658.1); and 72 more; short protein forms F630L, F1734L, F1687L, F1755L, F1580L, F1605L, F1607L, F1622L.
Identifiers: ClinVar variation 865155 (VCV000865155.3), dbSNP rs869320780, ClinGen allele CA10591131.

Conditions:
Breast-ovarian cancer, familial, susceptibility to, 1 (BROVCA1). Also called: BRCA1 Hereditary Breast and Ovarian Cancer; OVARIAN CANCER, SUSCEPTIBILITY TO. Identifiers: Orphanet 145, MedGen C2676676, MONDO:0011450, OMIM 604370. Disease mechanism: loss of function.

Submission:

Brotman Baty Institute, University of Washington
No classification provided (evidence only). Condition: Breast-ovarian cancer, familial 1. Review status: no classification provided. Collection method: in vitro. Allele origin: not applicable. Functional consequence: functionally_abnormal.
ClinVar note: "not provided" was previously submitted as the classification for the variant. However, the classification appeared to be based only on an observation of functional data so it was converted to no classification on 2025-07-30.